The following is an entry in ClinVar:

ClinVar aggregate classification (germline): Uncertain significance (1 of 4 stars; one submission).

Conditions:
PPARG-related disorder. Also called: PPARG-related condition; PPARG-related disorders.

Submission:

PreventionGenetics, part of Exact Sciences
Classification: Uncertain significance for PPARG-related condition. Last evaluated: 2025-05-08. Review status: criteria provided, single submitter. Criteria: ACMG Guidelines, 2015. Collection method: clinical testing. Allele origin: germline.
Comment: The PPARG c.973A>C variant is predicted to result in the amino acid substitution p.Thr325Pro. To our knowledge, this variant has not been reported in the literature or in a large population database (gnomAD), indicating this variant is rare. At this time, the clinical significance of this variant is uncertain due to the absence of conclusive functional and genetic evidence.

NM_138711.6(PPARG):c.883A>C (p.Thr295Pro)

Gene: PPARG (peroxisome proliferator activated receptor gamma; plus strand). Cytogenetic location: 3p25.2.
Variant type: single nucleotide variant.
Coding change: c.883A>C on transcript NM_138711.6 (MANE Select); coding-DNA position 883, A replaced by C.
Protein change: p.Thr295Pro; replaces threonine 295 with proline.
Molecular consequence: missense variant. On other transcripts: intron variant (5).
Genome position (GRCh38, 1-based): chr3:12,416,857, A>C. VCF-style: chr3-12416857-A-C. GRCh37 (hg19) VCF-style: chr3-12458356-A-C.
Other names: c.883A>C, p.Thr295Pro (NM_001354666.3, NM_001354667.3, NM_001374263.2 and 3 more transcripts); c.256A>C, p.Thr86Pro (NM_001354669.2); c.973A>C, p.Thr325Pro (NM_015869.5); c.729+10776A>C (NM_001374261.3, NM_001374262.3, NM_001330615.4); c.653+10858A>C (NM_001374266.1); c.819+10776A>C (NM_001374265.1); short protein forms T295P, T325P, T86P.
Identifiers: ClinVar variation 4998375 (VCV004998375.1).